The following is an entry in ClinVar:

NM_000289.6(PFKM):c.626G>A (p.Gly209Asp)

Gene: PFKM (phosphofructokinase, muscle; plus strand). Cytogenetic location: 12q13.11.
Variant type: single nucleotide variant.
Coding change: c.626G>A on transcript NM_000289.6 (MANE Select); coding-DNA position 626, G replaced by A.
Protein change: p.Gly209Asp; replaces glycine 209 with aspartic acid.
Molecular consequence: missense variant. On other transcripts: non-coding transcript variant (6).
Genome position (GRCh38, 1-based): chr12:48,134,264, G>A. VCF-style: chr12-48134264-G-A. GRCh37 (hg19) VCF-style: chr12-48528047-G-A.
Other names: c.839G>A, p.Gly280Asp (NM_001166686.2, NM_001354737.1, NM_001354738.1 and 1 more transcripts); c.626G>A, p.Gly209Asp (NM_001166687.2, NM_001166688.2, NM_001354742.2 and 4 more transcripts); c.935G>A, p.Gly312Asp (NM_001354735.1, NM_001354736.1); c.770G>A, p.Gly257Asp (NM_001354740.1); c.650G>A, p.Gly217Asp (NM_001354741.2); c.539G>A, p.Gly180Asp (NM_001354745.2); c.476G>A, p.Gly159Asp (NM_001354747.2, NM_001354748.2); short protein forms G159D, G180D, G209D, G217D, G257D, G280D, G312D.
Identifiers: ClinVar variation 3375341 (VCV003375341.4).

ClinVar aggregate classification (germline): Conflicting classifications of pathogenicity. Review status: criteria provided, conflicting classifications (1 of 4 stars). 3 submissions from 3 submitters: Likely pathogenic (2); Uncertain significance (1). Last evaluated 2026-02-20.

Conditions:
Glycogen storage disease, type VII (GSD7). Also called: GSD VII; MUSCLE PHOSPHOFRUCTOKINASE DEFICIENCY; PFKM DEFICIENCY; TARUI DISEASE. Identifiers: Orphanet 371, MedGen C0017926, MONDO:0009295, OMIM 232800.

gnomAD v4.1: 2 of 1,613,712 alleles (0.00012%); highest among the groups gnomAD compares: Non-Finnish European, 0.00017%; no homozygotes.

Submissions (3):

Myriad Genetics, Inc.
Classification: Uncertain significance for Glycogen storage disease, type VII. Last evaluated: 2026-02-20. Review status: criteria provided, single submitter. Criteria: Myriad Autosomal Dominant, Autosomal Recessive and X-Linked Classification Criteria (2023). Collection method: clinical testing. Allele origin: unknown.
Comment: NM_001166686.1(PFKM):c.839G>A(G280D) is a missense variant classified as a variant of uncertain significance in the context of glycogen storage disease, PFKM-related. G280D has been observed in cases with relevant disease (PMID: 7825568, 39156960). Relevant functional assessments of this variant are not available in the literature. G280D has been observed in referenced population frequency databases. In summary, there is insufficient evidence to classify NM_001166686.1(PFKM):c.839G>A(G280D) as pathogenic or benign. Please note: this variant was assessed in the context of healthy population screening.

Women's Health and Genetics/Laboratory Corporation of America, LabCorp
Classification: Likely pathogenic for Glycogen storage disease, type VII. Last evaluated: 2024-09-20. Review status: criteria provided, single submitter. Criteria: LabCorp Variant Classification Summary - May 2015. Collection method: clinical testing. Allele origin: germline.
Comment: Variant summary: PFKM c.626G>A (p.Gly209Asp) results in a non-conservative amino acid change located in the Phosphofructokinase domain (IPR000023) of the encoded protein sequence. Five of five in-silico tools predict a damaging effect of the variant on protein function. The variant allele was found at a frequency of 4e-06 in 251464 control chromosomes (gnomAD). c.626G>A has been reported in the literature in at least one individual affected with Glycogen Storage Disease, Type VII (Raben_1995). These data indicate that the variant may be associated with disease. At least one publication reports experimental evidence evaluating an impact on protein function. The most pronounced variant effect results in <10% of normal activity (Raben_1995). The following publication have been ascertained in the context of this evaluation (PMID: 7825568). No submitters have cited clinical-significance assessments for this variant to ClinVar. Based on the evidence outlined above, the variant was classified as likely pathogenic.

ARUP Laboratories, Molecular Genetics and Genomics, ARUP Laboratories
Classification: Likely pathogenic for Glycogen storage disease, type VII. Last evaluated: 2024-06-27. Review status: criteria provided, single submitter. Criteria: ARUP Molecular Germline Variant Investigation Process 2024. Collection method: clinical testing. Allele origin: germline.
Comment: The PFKM c.626G>A; p.Gly209Asp variant (rs767265360) is reported in the literature in the homozygous state in one individual affected with glycogen storage disease VIIb, a late onset subtype typically not associated with concurrent hemolysis (Nakajima 2002, Raben 1995). This variant is only observed on one allele in the Genome Aggregation Database (v2.1.1), indicating it is not a common polymorphism. This variant lies within the substrate-binding site of the enzyme’s active site and functional analyses of the variant protein show complete loss of enzyme activity (Raben 1995). Computational analyses predict that this variant is deleterious (REVEL: 0.951). Based on available information, this variant is considered to be likely pathogenic. References: Nakajima H et al. Phosphofructokinase deficiency; past, present and future. Curr Mol Med. 2002 Mar. PMID: 11949936. Raben N et al. Functional expression of human mutant phosphofructokinase in yeast: genetic defects in French Canadian and Swiss patients with phosphofructokinase deficiency. Am J Hum Genet. 1995 Jan. PMID: 7825568.

Literature cited by the submitters: PubMed 39156960 (cited by Myriad Genetics, Inc.); PubMed 7825568 (cited by Myriad Genetics, Inc. and Women's Health and Genetics/Laboratory Corporation of America, LabCorp).